The following is an entry in ClinVar:

Conditions:
Breast-ovarian cancer, familial, susceptibility to, 1 (BROVCA1). Also called: BRCA1 Hereditary Breast and Ovarian Cancer; OVARIAN CANCER, SUSCEPTIBILITY TO. Identifiers: Orphanet 145, MedGen C2676676, MONDO:0011450, OMIM 604370. Disease mechanism: loss of function.

Submission:

Brotman Baty Institute, University of Washington
No classification provided (evidence only). Condition: Breast-ovarian cancer, familial 1. Review status: no classification provided. Collection method: in vitro. Allele origin: not applicable. Functional consequence: functionally_normal.
ClinVar note: "not provided" was previously submitted as the classification for the variant. However, the classification appeared to be based only on an observation of functional data so it was converted to no classification on 2025-07-30.

NM_007294.4(BRCA1):c.5406+9T>G

Gene: BRCA1 (BRCA1 DNA repair associated; minus strand). Cytogenetic location: 17q21.31.
Variant type: single nucleotide variant.
Coding change: c.5406+9T>G on transcript NM_007294.4 (MANE Select); 9 bases into the intron after coding-DNA position 5406, T replaced by G.
Molecular consequence: intron variant.
Genome position (GRCh38, 1-based): chr17:43,049,112, A>C on the plus strand (T>G on the coding strand, the complement: BRCA1 is on the minus strand). VCF-style: chr17-43049112-A-C. GRCh37 (hg19) VCF-style: chr17-41201129-A-C.
Other names: c.1953+9T>G (NM_001408458.1, NM_001408461.1, NM_001408464.1 and 7 more transcripts); c.4515+9T>G (NM_001407967.1); c.5025+9T>G (NM_001407959.1); c.5139+9T>G (NM_001407931.1, NM_001407932.1, NM_001407928.1 and 4 more transcripts); c.5262+9T>G (NM_001407747.1, NM_001407745.1, NM_001407737.1 and 18 more transcripts); c.5022+9T>G (NM_001407962.1, NM_001407960.1); c.1593+9T>G (NM_001408512.1); c.1716+9T>G (NM_001408510.1); and 84 more.
Identifiers: ClinVar variation 868059 (VCV000868059.3), dbSNP rs80358040, ClinGen allele CA916080831.